The following is an entry in ClinVar:

ClinVar aggregate classification (germline): Benign/Likely benign. Review status: criteria provided, multiple submitters, no conflicts (2 of 4 stars). 2 submissions from 2 submitters: Benign (1); Likely benign (1). Last evaluated 2024-10-23.

Conditions:
BDP1-related disorder. Also called: BDP1-related condition.

Allele frequency attached by ClinVar (database versions not stated): TOPMed 0.00006; gnomAD 0.00036; gnomAD exomes 0.00056 and 0.00111; ExAC 0.00129; 1000 Genomes Project 30x 0.00234; 1000 Genomes Project 0.00260.
gnomAD v4.1: 857 of 1,613,912 alleles (0.053%); highest among the groups gnomAD compares: South Asian, 0.9%; 7 homozygotes.

Submissions (2):

PreventionGenetics, part of Exact Sciences
Classification: Likely benign for BDP1-related condition. Last evaluated: 2024-10-23. Review status: criteria provided, single submitter. Criteria: ACMG Guidelines, 2015. Collection method: clinical testing. Allele origin: germline.
Comment: This variant is classified as likely benign based on ACMG/AMP sequence variant interpretation guidelines (Richards et al. 2015 PMID: 25741868, with internal and published modifications).

GeneDx
Classification: Benign. Last evaluated: 2019-09-30. Review status: criteria provided, single submitter. Criteria: GeneDx Variant Classification Process June 2021. Collection method: clinical testing. Allele origin: germline. Affected: yes.

NM_018429.3(BDP1):c.2148T>A (p.Gly716=)

Gene: BDP1 (BDP1 general transcription factor IIIB subunit; plus strand). Cytogenetic location: 5q13.2.
Variant type: single nucleotide variant.
Coding change: c.2148T>A on transcript NM_018429.3 (MANE Select); coding-DNA position 2148, T replaced by A.
Protein change: p.Gly716=; no amino-acid change (glycine 716 retained).
Molecular consequence: synonymous variant.
Genome position (GRCh38, 1-based): chr5:71,502,698, T>A. VCF-style: chr5-71502698-T-A. GRCh37 (hg19) VCF-style: chr5-70798525-T-A.
Identifiers: ClinVar variation 1260801 (VCV001260801.3), dbSNP rs550805438, ClinGen allele CA3296194.